The following is an entry in ClinVar:

NM_030962.4(SBF2):c.3617T>C (p.Val1206Ala)

Gene: SBF2 (SET binding factor 2; minus strand). Cytogenetic location: 11p15.4.
Variant type: single nucleotide variant.
Coding change: c.3617T>C on transcript NM_030962.4 (MANE Select); coding-DNA position 3617, T replaced by C.
Protein change: p.Val1206Ala; replaces valine 1206 with alanine.
Molecular consequence: missense variant.
Genome position (GRCh38, 1-based): chr11:9,832,259, A>G on the plus strand (T>C on the coding strand, the complement: SBF2 is on the minus strand). VCF-style: chr11-9832259-A-G. GRCh37 (hg19) VCF-style: chr11-9853806-A-G.
Other names: c.3617T>C, p.Val1206Ala (NM_001386339.1); c.3488T>C, p.Val1163Ala (NM_001386342.1); short protein forms V1206A, V1163A.
Identifiers: ClinVar variation 543385 (VCV000543385.8), dbSNP rs766573319, ClinGen allele CA5881219.

ClinVar aggregate classification (germline): Uncertain significance. Review status: criteria provided, multiple submitters, no conflicts (2 of 4 stars). 2 submissions from 2 submitters: Uncertain significance (2). Last evaluated 2025-12-30.

Conditions:
Inborn genetic diseases. Identifiers: MedGen C0950123, MeSH D030342.
Charcot-Marie-Tooth disease type 4. Also called: Charcot-Marie-Tooth disease, type IV; Charcot-Marie-Tooth, Type 4. Identifiers: Orphanet 64749, MedGen C4082197, MONDO:0018995.

Allele frequency attached by ClinVar (database versions not stated): gnomAD 0.00006 and 0.00005; TOPMed 0.00006; gnomAD exomes 0.00001 and 0.00003; ExAC 0.00003.
gnomAD v4.1: 19 of 1,614,012 alleles (0.0012%); highest among the groups gnomAD compares: African/African-American, 0.023%; no homozygotes.

Submissions (2):

Labcorp Genetics (formerly Invitae), Labcorp
Classification: Uncertain significance for Charcot-Marie-Tooth disease type 4. Last evaluated: 2025-12-30. Review status: criteria provided, single submitter. Criteria: Invitae Variant Classification Sherloc (09022015). Collection method: clinical testing. Allele origin: germline.
Comment: This sequence change replaces valine, which is neutral and non-polar, with alanine, which is neutral and non-polar, at codon 1206 of the SBF2 protein (p.Val1206Ala). This variant is present in population databases (rs766573319, gnomAD 0.03%). This variant has not been reported in the literature in individuals affected with SBF2-related conditions. ClinVar contains an entry for this variant (Variation ID: 543385). Invitae Evidence Modeling of protein sequence and biophysical properties (such as structural, functional, and spatial information, amino acid conservation, physicochemical variation, residue mobility, and thermodynamic stability) indicates that this missense variant is not expected to disrupt SBF2 protein function with a negative predictive value of 80%. In summary, the available evidence is currently insufficient to determine the role of this variant in disease. Therefore, it has been classified as a Variant of Uncertain Significance.

Ambry Genetics
Classification: Uncertain significance for Inborn genetic diseases. Last evaluated: 2025-08-11. Review status: criteria provided, single submitter. Criteria: Ambry Variant Classification Scheme 2023. Collection method: clinical testing. Allele origin: germline.